The following is an entry in ClinVar:

NM_000016.6(ACADM):c.265A>C (p.Thr89Pro)

Gene: ACADM (acyl-CoA dehydrogenase medium chain; plus strand). Cytogenetic location: 1p31.1.
Variant type: single nucleotide variant.
Coding change: c.265A>C on transcript NM_000016.6 (MANE Select); coding-DNA position 265, A replaced by C.
Protein change: p.Thr89Pro; replaces threonine 89 with proline.
Molecular consequence: missense variant. On other transcripts: 5 prime UTR variant (1).
Genome position (GRCh38, 1-based): chr1:75,732,901, A>C. VCF-style: chr1-75732901-A-C. GRCh37 (hg19) VCF-style: chr1-76198586-A-C.
Other names: c.277A>C, p.Thr93Pro (NM_001127328.3); c.157A>C, p.Thr53Pro (NM_001286042.2); c.265A>C, p.Thr89Pro (NM_001286043.2); c.-121A>C (NM_001286044.2); short protein forms T53P, T93P, T89P.
Identifiers: ClinVar variation 1396118 (VCV001396118.6), dbSNP rs371194356, ClinGen allele CA340810117.
Genomic context (GRCh38, chr1:75,732,901, plus strand): 5'-TTTTTCTTCTAGTATCCAGTCCCCCTAATTAGAAGAGCCTGGGAACTTGGTTTAATGAAC[A>C]CACACATTCCAGAGAACTGTGGTAAGCTTTCTTTATATTTTTAATACTGGAATGCATATG-3'
Protein context (NP_000007.1, residues 79-99): RRAWELGLMN[Thr89Pro]HIPENCGGLG

ClinVar aggregate classification (germline): Uncertain significance (1 of 4 stars; one submission).

Conditions:
Medium-chain acyl-coenzyme A dehydrogenase deficiency (ACADMD). Also called: Medium chain acyl-CoA dehydrogenase deficiency; MCADH DEFICIENCY; ACADM DEFICIENCY; CARNITINE DEFICIENCY SECONDARY TO MEDIUM-CHAIN ACYL-CoA DEHYDROGENASE DEFICIENCY; MCAD Deficiency; MCADD. Identifiers: Orphanet 42, MedGen C0220710, MONDO:0008721, OMIM 201450.

Submission:

Labcorp Genetics (formerly Invitae), Labcorp
Classification: Uncertain significance for Medium-chain acyl-coenzyme A dehydrogenase deficiency. Last evaluated: 2021-12-02. Review status: criteria provided, single submitter. Criteria: Invitae Variant Classification Sherloc (09022015). Collection method: clinical testing. Allele origin: germline.
Comment: In summary, the available evidence is currently insufficient to determine the role of this variant in disease. Therefore, it has been classified as a Variant of Uncertain Significance. Advanced modeling of protein sequence and biophysical properties (such as structural, functional, and spatial information, amino acid conservation, physicochemical variation, residue mobility, and thermodynamic stability) performed at Invitae indicates that this missense variant is not expected to disrupt ACADM protein function. This variant has not been reported in the literature in individuals affected with ACADM-related conditions. This variant is not present in population databases (gnomAD no frequency). This sequence change replaces threonine, which is neutral and polar, with proline, which is neutral and non-polar, at codon 89 of the ACADM protein (p.Thr89Pro).